The following is an entry in ClinVar:

NM_017947.4(MOCOS):c.2599G>A (p.Val867Met)

Gene: MOCOS (molybdenum cofactor sulfurase; plus strand). Cytogenetic location: 18q12.2.
Variant type: single nucleotide variant.
Coding change: c.2599G>A on transcript NM_017947.4 (MANE Select); coding-DNA position 2599, G replaced by A.
Protein change: p.Val867Met; replaces valine 867 with methionine.
Molecular consequence: missense variant.
Genome position (GRCh38, 1-based): chr18:36,268,617, G>A. VCF-style: chr18-36268617-G-A. GRCh37 (hg19) VCF-style: chr18-33848580-G-A.
Other names: p.Val867Met; short protein forms V867M.
Identifiers: ClinVar variation 791733 (VCV000791733.15), dbSNP rs79823152, ClinGen allele CA8941112.

ClinVar aggregate classification (germline): Benign/Likely benign. Review status: criteria provided, multiple submitters, no conflicts (2 of 4 stars). 5 submissions from 5 submitters: Benign (4); Likely benign (1). Last evaluated 2026-01-18.

Conditions:
Xanthinuria type II. Also called: Xanthine dehydrogenase and aldehyde oxidase combined deficiency of; XDH and AOX dual deficiency. Identifiers: Orphanet 3467, Orphanet 93602, MedGen C1863688, MONDO:0011346, OMIM 603592.
MOCOS-related disorder. Also called: MOCOS-related condition.

Allele frequency attached by ClinVar (database versions not stated): gnomAD exomes 0.00080 and 0.00223; ExAC 0.00279; 1000 Genomes Project 0.00779; 1000 Genomes Project 30x 0.00812; gnomAD 0.00905 and 0.00979; ESP Exome Variant Server 0.01030; TOPMed 0.01051.
gnomAD v4.1: 2,604 of 1,614,064 alleles (0.16%); highest among the groups gnomAD compares: African/African-American, 3.1%; 33 homozygotes.

Submissions (5):

Labcorp Genetics (formerly Invitae), Labcorp
Classification: Benign for Xanthinuria type II. Last evaluated: 2026-01-18. Review status: criteria provided, single submitter. Criteria: Invitae Variant Classification Sherloc (09022015). Collection method: clinical testing. Allele origin: germline.

Mayo Clinic Laboratories, Mayo Clinic
Classification: Benign. Last evaluated: 2025-10-17. Review status: criteria provided, single submitter. Criteria: ACMG Guidelines, 2015. Collection method: clinical testing. Allele origin: germline. Observed: 1 variant allele.
Comment: BS1, BS2, BP4_moderate

PreventionGenetics, part of Exact Sciences
Classification: Benign for MOCOS-related condition. Last evaluated: 2025-01-29. Review status: criteria provided, single submitter. Criteria: ACMG Guidelines, 2015. Collection method: clinical testing. Allele origin: germline.
Comment: This variant is classified as benign based on ACMG/AMP sequence variant interpretation guidelines (Richards et al. 2015 PMID: 25741868, with internal and published modifications).

Fulgent Genetics
Classification: Likely benign for Xanthinuria type II. Last evaluated: 2021-12-30. Review status: criteria provided, single submitter. Criteria: ACMG Guidelines, 2015. Collection method: clinical testing. Allele origin: unknown.

Breakthrough Genomics
Classification: Benign. Review status: criteria provided, single submitter. Criteria: ACMG Guidelines, 2015. Collection method: not provided. Allele origin: germline. Inheritance: Autosomal recessive inheritance. Affected: yes.